The following is an entry in ClinVar:

NM_032578.4(MYPN):c.1793T>C (p.Val598Ala)

Gene: MYPN (myopalladin; plus strand). Cytogenetic location: 10q21.3.
Variant type: single nucleotide variant.
Coding change: c.1793T>C on transcript NM_032578.4 (MANE Select); coding-DNA position 1793, T replaced by C.
Protein change: p.Val598Ala; replaces valine 598 with alanine.
Molecular consequence: missense variant. On other transcripts: non-coding transcript variant (2).
Genome position (GRCh38, 1-based): chr10:68,166,486, T>C. VCF-style: chr10-68166486-T-C. GRCh37 (hg19) VCF-style: chr10-69926243-T-C.
Other names: c.1793T>C, p.Val598Ala (NM_001256267.2); c.911T>C, p.Val304Ala (NM_001256268.2); short protein forms V304A, V598A.
Identifiers: ClinVar variation 1780225 (VCV001780225.2), dbSNP rs1229958073, ClinGen allele CA376840212.

ClinVar aggregate classification (germline): Uncertain significance (1 of 4 stars; one submission).

Conditions:
Cardiovascular phenotype. Identifiers: MedGen CN230736.

Allele frequency attached by ClinVar (database versions not stated): gnomAD exomes below 0.00001.
gnomAD v4.1: 2 of 1,614,130 alleles (0.00012%); highest among the groups gnomAD compares: South Asian, 0.0011%; no homozygotes.

Submission:

Ambry Genetics
Classification: Uncertain significance for Cardiovascular phenotype. Last evaluated: 2021-11-09. Review status: criteria provided, single submitter. Criteria: Ambry Variant Classification Scheme 2023. Collection method: clinical testing. Allele origin: germline.
Comment: The p.V598A variant (also known as c.1793T>C), located in coding exon 9 of the MYPN gene, results from a T to C substitution at nucleotide position 1793. The valine at codon 598 is replaced by alanine, an amino acid with similar properties. This amino acid position is conserved. In addition, the in silico prediction for this alteration is inconclusive. Since supporting evidence is limited at this time, the clinical significance of this alteration remains unclear.